The following is an entry in ClinVar:

ClinVar aggregate classification (germline): Uncertain significance (1 of 4 stars; one submission).

Conditions:
Atrial fibrillation, familial, 7 (ATFB7). Identifiers: MedGen C2677106, MONDO:0012828, OMIM 612240.

Submission:

Labcorp Genetics (formerly Invitae), Labcorp
Classification: Uncertain significance for Atrial fibrillation, familial, 7. Last evaluated: 2020-02-17. Review status: criteria provided, single submitter. Criteria: Invitae Variant Classification Sherloc (09022015). Collection method: clinical testing. Allele origin: germline.
Comment: This sequence change replaces arginine with lysine at codon 187 of the KCNA5 protein (p.Arg187Lys). The arginine residue is highly conserved and there is a small physicochemical difference between arginine and lysine. This variant is not present in population databases (ExAC no frequency). This variant has not been reported in the literature in individuals with KCNA5-related conditions. Algorithms developed to predict the effect of missense changes on protein structure and function are either unavailable or do not agree on the potential impact of this missense change (SIFT: "Deleterious"; PolyPhen-2: "Probably Damaging"; Align-GVGD: "Class C0"). In summary, the available evidence is currently insufficient to determine the role of this variant in disease. Therefore, it has been classified as a Variant of Uncertain Significance.

NM_002234.4(KCNA5):c.560G>A (p.Arg187Lys)

Gene: KCNA5 (potassium voltage-gated channel subfamily A member 5; plus strand). Cytogenetic location: 12p13.32.
Variant type: single nucleotide variant.
Coding change: c.560G>A on transcript NM_002234.4 (MANE Select); coding-DNA position 560, G replaced by A.
Protein change: p.Arg187Lys; replaces arginine 187 with lysine.
Molecular consequence: missense variant.
Genome position (GRCh38, 1-based): chr12:5,044,707, G>A. VCF-style: chr12-5044707-G-A. GRCh37 (hg19) VCF-style: chr12-5153873-G-A.
Other names: short protein forms R187K.
Identifiers: ClinVar variation 968432 (VCV000968432.9), dbSNP rs1862751394, ClinGen allele CA383464684.